The following is an entry in ClinVar:

ClinVar aggregate classification (germline): Uncertain significance. Review status: criteria provided, multiple submitters, no conflicts (2 of 4 stars). 2 submissions from 2 submitters: Uncertain significance (2). Last evaluated 2025-07-14.

Conditions:
Hereditary sensory and autonomic neuropathy type 6. Also called: HSAN VI; Neuropathy, hereditary sensory and autonomic, type VI. Identifiers: Orphanet 314381, MedGen C3539003, MONDO:0013839, OMIM 614653.
Epidermolysis bullosa simplex 3, localized or generalized intermediate, with BP230 deficiency (EBS3). Also called: Epidermolysis bullosa simplex, autosomal recessive 2; Epidermolysis bullosa simplex due to BP230 deficiency. Identifiers: Orphanet 412181, MedGen C3809470, MONDO:0014180, OMIM 615425.

Allele frequency attached by ClinVar (database versions not stated): gnomAD exomes below 0.00001; ExAC 0.00001.
gnomAD v4.1: 2 of 1,613,614 alleles (0.00012%); highest among the groups gnomAD compares: Non-Finnish European, 0.00017%; no homozygotes.

Submissions (2):

Labcorp Genetics (formerly Invitae), Labcorp
Classification: Uncertain significance for Epidermolysis bullosa simplex 3, localized or generalized intermediate, with BP230 deficiency; Hereditary sensory and autonomic neuropathy type 6. Last evaluated: 2025-07-14. Review status: criteria provided, single submitter. Criteria: Invitae Variant Classification Sherloc (09022015). Collection method: clinical testing. Allele origin: germline.
Comment: This sequence change replaces leucine, which is neutral and non-polar, with proline, which is neutral and non-polar, at codon 786 of the DST protein (p.Leu786Pro). This variant is present in population databases (rs763647005, gnomAD 0.0009%). This variant has not been reported in the literature in individuals affected with DST-related conditions. ClinVar contains an entry for this variant (Variation ID: 474513). An algorithm developed to predict the effect of missense changes on protein structure and function (PolyPhen-2) suggests that this variant is likely to be disruptive. In summary, the available evidence is currently insufficient to determine the role of this variant in disease. Therefore, it has been classified as a Variant of Uncertain Significance.

Mayo Clinic Laboratories, Mayo Clinic
Classification: Uncertain significance. Last evaluated: 2019-11-03. Review status: criteria provided, single submitter. Criteria: ACMG Guidelines, 2015. Collection method: clinical testing. Allele origin: germline. Observed: 1 variant allele.

NM_001374736.1(DST):c.3968T>C (p.Leu1323Pro)

Gene: DST (dystonin; minus strand). Cytogenetic location: 6p12.1.
Variant type: single nucleotide variant.
Coding change: c.3968T>C on transcript NM_001374736.1 (MANE Select); coding-DNA position 3968, T replaced by C.
Protein change: p.Leu1323Pro; replaces leucine 1323 with proline.
Molecular consequence: missense variant.
Genome position (GRCh38, 1-based): chr6:56,631,385, A>G on the plus strand (T>C on the coding strand, the complement: DST is on the minus strand). VCF-style: chr6-56631385-A-G. GRCh37 (hg19) VCF-style: chr6-56496183-A-G.
Other names: c.3869T>C, p.Leu1290Pro (NM_001144769.5); c.3455T>C, p.Leu1152Pro (NM_001144770.2); c.3968T>C, p.Leu1323Pro (NM_001374722.1); c.3335T>C, p.Leu1112Pro (NM_001374729.1, NM_001374730.1, NM_001386100.1 and 1 more transcripts); c.3995T>C, p.Leu1332Pro (NM_001374734.1); c.2357T>C, p.Leu786Pro (NM_001723.7, NM_015548.5); short protein forms L786P, L1290P, L1152P, L1112P, L1323P, L1332P.
Identifiers: ClinVar variation 474513 (VCV000474513.14), dbSNP rs763647005, ClinGen allele CA3870997.